The following is an entry in ClinVar:

NM_003954.5(MAP3K14):c.769C>T (p.Pro257Ser)

Gene: MAP3K14 (mitogen-activated protein kinase kinase kinase 14; minus strand). Cytogenetic location: 17q21.31.
Variant type: single nucleotide variant.
Coding change: c.769C>T on transcript NM_003954.5 (MANE Select); coding-DNA position 769, C replaced by T.
Protein change: p.Pro257Ser; replaces proline 257 with serine.
Molecular consequence: missense variant.
Genome position (GRCh38, 1-based): chr17:45,286,814, G>A on the plus strand (C>T on the coding strand, the complement: MAP3K14 is on the minus strand). VCF-style: chr17-45286814-G-A. GRCh37 (hg19) VCF-style: chr17-43364181-G-A.
Other names: short protein forms P257S.
Identifiers: ClinVar variation 1505921 (VCV001505921.6), dbSNP rs2143820623, ClinGen allele CA399888757.

ClinVar aggregate classification (germline): Uncertain significance (1 of 4 stars; one submission).

Conditions:
NIK deficiency. Also called: Primary immunodeficiency with multifaceted aberrant lymphoid immunity. Identifiers: Orphanet 447731, MedGen C5680065, MONDO:0018642.

Allele frequency attached by ClinVar (database versions not stated): gnomAD exomes below 0.00001.

Submission:

Labcorp Genetics (formerly Invitae), Labcorp
Classification: Uncertain significance for NIK deficiency. Last evaluated: 2022-07-25. Review status: criteria provided, single submitter. Criteria: Invitae Variant Classification Sherloc (09022015). Collection method: clinical testing. Allele origin: germline.
Comment: In summary, the available evidence is currently insufficient to determine the role of this variant in disease. Therefore, it has been classified as a Variant of Uncertain Significance. Experimental studies and prediction algorithms are not available or were not evaluated, and the functional significance of this variant is currently unknown. ClinVar contains an entry for this variant (Variation ID: 1505921). This variant has not been reported in the literature in individuals affected with MAP3K14-related conditions. This variant is not present in population databases (gnomAD no frequency). This sequence change replaces proline, which is neutral and non-polar, with serine, which is neutral and polar, at codon 257 of the MAP3K14 protein (p.Pro257Ser).